The following is an entry in ClinVar:

ClinVar aggregate classification (germline): Pathogenic/Likely pathogenic. Review status: criteria provided, multiple submitters, no conflicts (2 of 4 stars). 4 submissions from 4 submitters: Pathogenic (1); Likely pathogenic (1). 2 of the submissions do not count toward it. Last evaluated 2024-03-14.

Conditions:
Congenital anomaly of kidney and urinary tract. Also called: Congenital anomalies of kidney and urinary tract; Congenital anomalies of the kidney and urinary tract. Identifiers: Orphanet 93545, MedGen C1968949, MeSH C566906, MONDO:0019719.
Urofacial syndrome type 1. Also called: HPSE2-Related Urofacial Syndrome. Identifiers: Orphanet 2704, MedGen CN033872, MONDO:0009368, OMIM 236730.

Allele frequency attached by ClinVar (database versions not stated): gnomAD exomes 0.00001; ExAC 0.00002.
gnomAD v4.1: 16 of 1,613,266 alleles (0.00099%); highest among the groups gnomAD compares: South Asian, 0.0011%; no homozygotes.

Submissions (4):

Fulgent Genetics
Classification: Likely pathogenic for Urofacial syndrome type 1. Last evaluated: 2024-03-14. Review status: criteria provided, single submitter. Criteria: ACMG Guidelines, 2015. Collection method: clinical testing. Allele origin: germline.

Labcorp Genetics (formerly Invitae), Labcorp
Classification: Pathogenic. Last evaluated: 2022-06-07. Review status: criteria provided, single submitter. Criteria: Invitae Variant Classification Sherloc (09022015). Collection method: clinical testing. Allele origin: germline.
Comment: ClinVar contains an entry for this variant (Variation ID: 89). For these reasons, this variant has been classified as Pathogenic. This premature translational stop signal has been observed in individual(s) with clinical features of urofacial syndrome (PMID: 20560210, 27151922). This sequence change creates a premature translational stop signal (p.Arg153*) in the HPSE2 gene. It is expected to result in an absent or disrupted protein product. Loss-of-function variants in HPSE2 are known to be pathogenic (PMID: 20560210, 25510506). This variant is present in population databases (rs267606865, gnomAD 0.005%).

Yale Center for Mendelian Genomics, Yale University
Classification: Pathogenic for Congenital anomaly of kidney and urinary tract. Last evaluated: 2018-08-24. Review status: no assertion criteria provided. Collection method: literature only. Allele origin: germline. Affected: yes. Observed: 1 homozygote. Study: Yale Center for Mendelian Genomics. Not counted in ClinVar's aggregate classification.

OMIM
Classification: Pathogenic for UROFACIAL SYNDROME 1. Last evaluated: 2010-06-11. Review status: no assertion criteria provided. Collection method: literature only. Allele origin: germline. Not counted in ClinVar's aggregate classification.

Literature cited by the submitters: PubMed 20560210 (cited by Labcorp Genetics (formerly Invitae), Labcorp and OMIM); PubMed 27151922 (cited by Labcorp Genetics (formerly Invitae), Labcorp); PubMed 25510506 (cited by Labcorp Genetics (formerly Invitae), Labcorp); PubMed 30143558 (cited by Yale Center for Mendelian Genomics, Yale University); PubMed 19669792 (cited by OMIM).

NM_021828.5(HPSE2):c.457C>T (p.Arg153Ter)

Gene: HPSE2 (heparanase 2 (inactive); minus strand). Cytogenetic location: 10q24.2.
Variant type: single nucleotide variant.
Coding change: c.457C>T on transcript NM_021828.5 (MANE Select); coding-DNA position 457, C replaced by T.
Protein change: p.Arg153Ter; replaces arginine 153 with a stop codon.
Molecular consequence: nonsense. On other transcripts: intron variant (1).
Genome position (GRCh38, 1-based): chr10:99,144,391, G>A on the plus strand (C>T on the coding strand, the complement: HPSE2 is on the minus strand). VCF-style: chr10-99144391-G-A. GRCh37 (hg19) VCF-style: chr10-100904148-G-A.
Other names: c.457C>T, p.Arg153Ter (NM_001166244.1, NM_001166246.1); c.448+87957C>T (NM_001166245.1); short protein forms R153*.
Identifiers: ClinVar variation 89 (VCV000000089.7), dbSNP rs267606865, ClinGen allele CA251384.